The following is an entry in ClinVar:

NM_007294.4(BRCA1):c.3622A>G (p.Lys1208Glu)

Genes: BRCA1 (BRCA1 DNA repair associated; minus strand), LOC126862571 (BRD4-independent group 4 enhancer GRCh37_chr17:41243136-41244335; plus strand). Cytogenetic location: 17q21.31.
Variant type: single nucleotide variant.
Coding change: c.3622A>G on transcript NM_007294.4 (MANE Select); coding-DNA position 3622, A replaced by G.
Protein change: p.Lys1208Glu; replaces lysine 1208 with glutamic acid.
Molecular consequence: missense variant. On other transcripts: intron variant (135).
Genome position (GRCh38, 1-based): chr17:43,091,909, T>C on the plus strand (A>G on the coding strand, the complement: BRCA1 is on the minus strand). VCF-style: chr17-43091909-T-C. GRCh37 (hg19) VCF-style: chr17-41243926-T-C.
Other names: c.3619A>G, p.Lys1207Glu (NM_001407633.1, NM_001407634.1, NM_001407635.1 and 22 more transcripts); c.3622A>G, p.Lys1208Glu (NM_001407639.1, NM_001407640.1, NM_001407641.1 and 30 more transcripts); c.3613A>G, p.Lys1205Glu (NM_001407646.1, NM_001407647.1); c.3499A>G, p.Lys1167Glu (NM_001407648.1, NM_001407664.1, NM_001407665.1 and 19 more transcripts); c.3496A>G, p.Lys1166Glu (NM_001407649.1, NM_001407670.1, NM_001407671.1 and 11 more transcripts); c.3544A>G, p.Lys1182Glu (NM_001407653.1, NM_001407654.1, NM_001407655.1 and 4 more transcripts); c.3541A>G, p.Lys1181Glu (NM_001407659.1, NM_001407660.1, NM_001407661.1 and 1 more transcripts); c.3481A>G, p.Lys1161Glu (NM_001407692.1, NM_001407694.1, NM_001407695.1 and 29 more transcripts); and 41 more; short protein forms K1208E, K1161E, K1080E, K1137E, K1160E, K1120E, K1166E, K1205E.
Identifiers: ClinVar variation 54940 (VCV000054940.9), dbSNP rs80357152, ClinGen allele CA002317.

ClinVar aggregate classification (germline): Conflicting classifications of pathogenicity. Review status: criteria provided, conflicting classifications (1 of 4 stars). 3 submissions from 3 submitters: Uncertain significance (1); Likely benign (1). 1 of the submissions does not count toward it. Last evaluated 2023-03-23.

Conditions:
Breast-ovarian cancer, familial, susceptibility to, 1 (BROVCA1). Also called: BRCA1 Hereditary Breast and Ovarian Cancer; OVARIAN CANCER, SUSCEPTIBILITY TO. Identifiers: Orphanet 145, MedGen C2676676, MONDO:0011450, OMIM 604370. Disease mechanism: loss of function.
Hereditary cancer-predisposing syndrome. Also called: Hereditary Cancer Syndrome; Hereditary neoplastic syndrome; Neoplastic Syndromes, Hereditary; Tumor predisposition. Identifiers: Orphanet 140162, MedGen C0027672, MeSH D009386, MONDO:0015356.

Allele frequency attached by ClinVar (database versions not stated): gnomAD exomes below 0.00001.
gnomAD v4.1: 2 of 1,614,186 alleles (0.00012%); highest among the groups gnomAD compares: Non-Finnish European, 0.00017%; no homozygotes.

Submissions (3):

University of Washington Department of Laboratory Medicine, University of Washington
Classification: Likely benign for Hereditary cancer-predisposing syndrome. Last evaluated: 2023-03-23. Review status: criteria provided, single submitter. Criteria: Dines et al. (Genet Med. 2020). Collection method: curation. Allele origin: germline.
Comment: Missense variant in a coldspot region where missense variants are very unlikely to be pathogenic (PMID:31911673).

BRCA1 coldspot (exon 11 using historical exon numbering). Reclassification based on statistical prior probability

Ambry Genetics
Classification: Uncertain significance for Hereditary cancer-predisposing syndrome. Last evaluated: 2018-04-11. Review status: criteria provided, single submitter. Criteria: Ambry Variant Classification Scheme 2023. Collection method: clinical testing. Allele origin: germline.
Comment: The p.K1208E variant (also known as c.3622A>G), located in coding exon 9 of the BRCA1 gene, results from an A to G substitution at nucleotide position 3622. The lysine at codon 1208 is replaced by glutamic acid, an amino acid with similar properties. This amino acid position is well conserved in available vertebrate species. In addition, the in silico prediction for this alteration is inconclusive. Since supporting evidence is limited at this time, the clinical significance of this alteration remains unclear.

Breast Cancer Information Core (BIC) (BRCA1)
Classification: Uncertain significance for Breast-ovarian cancer, familial 1. Last evaluated: 2003-12-23. Review status: no assertion criteria provided. Collection method: clinical testing. Allele origin: germline. Affected: yes. Observed: 1 variant allele. Not counted in ClinVar's aggregate classification.